The following is an entry in ClinVar:

ClinVar aggregate classification (germline): Uncertain significance (1 of 4 stars; one submission).

Conditions:
TTN-related disorder. Also called: TTN-related condition; TTN-related disease; TTN-related disorders.

gnomAD v4.1: 1 of 1,613,910 alleles (0.000062%); highest among the groups gnomAD compares: Non-Finnish European, 0.000085%; no homozygotes.

Submission:

Daryl Scott Lab, Baylor College of Medicine
Classification: Uncertain significance for TTN-related disorder. Last evaluated: 2024-01-01. Review status: criteria provided, single submitter. Criteria: ACMG Guidelines, 2015. Collection method: clinical testing. Allele origin: unknown. Observed: 1 heterozygote.
Comment: PM2, PP3

NM_001267550.2(TTN):c.101186G>A (p.Cys33729Tyr)

Genes: TTN (titin; minus strand), TTN-AS1 (TTN antisense RNA 1; plus strand). Cytogenetic location: 2q31.2.
Variant type: single nucleotide variant.
Coding change: c.101186G>A on transcript NM_001267550.2 (MANE Select); coding-DNA position 101186, G replaced by A.
Protein change: p.Cys33729Tyr; replaces cysteine 33729 with tyrosine.
Molecular consequence: missense variant.
Genome position (GRCh38, 1-based): chr2:178,535,429, C>T on the plus strand (G>A on the coding strand, the complement: TTN is on the minus strand). VCF-style: chr2-178535429-C-T. GRCh37 (hg19) VCF-style: chr2-179400156-C-T.
Other names: c.96263G>A, p.Cys32088Tyr (NM_001256850.1); c.73991G>A, p.Cys24664Tyr (NM_003319.4); c.93482G>A, p.Cys31161Tyr (NM_133378.4); c.74366G>A, p.Cys24789Tyr (NM_133432.3); c.74567G>A, p.Cys24856Tyr (NM_133437.4); short protein forms C24664Y, C24789Y, C24856Y, C31161Y, C32088Y, C33729Y.
Identifiers: ClinVar variation 3764573 (VCV003764573.1).